The following is an entry in ClinVar:

ClinVar aggregate classification (germline): Uncertain significance. Review status: criteria provided, multiple submitters, no conflicts (2 of 4 stars). 5 submissions from 5 submitters: Uncertain significance (5). Last evaluated 2025-10-19.

Conditions:
Lynch syndrome 4 (LYNCH4). Also called: Colorectal cancer, hereditary nonpolyposis, type 4; Hereditary non-polyposis colorectal cancer, type 4. Identifiers: Orphanet 144, MedGen C1838333, MONDO:0013699, OMIM 614337. Disease mechanism: loss of function.
Mismatch repair cancer syndrome 4. Identifiers: MedGen C5436817, MONDO:0030843, OMIM 619101.
Hereditary cancer-predisposing syndrome. Also called: Tumor predisposition; Hereditary Cancer Syndrome; Hereditary neoplastic syndrome; Neoplastic Syndromes, Hereditary. Identifiers: Orphanet 140162, MedGen C0027672, MeSH D009386, MONDO:0015356.
Hereditary nonpolyposis colorectal neoplasms. Identifiers: MedGen C0009405, MeSH D003123.
Breast and/or ovarian cancer. Identifiers: MedGen CN221562.

Allele frequency attached by ClinVar (database versions not stated): ExAC 0.00001; gnomAD 0.00001; gnomAD exomes 0.00001; TOPMed 0.00002.
gnomAD v4.1: 11 of 1,525,980 alleles (0.00072%); highest among the groups gnomAD compares: East Asian, 0.022%; no homozygotes.

Submissions (5):

Labcorp Genetics (formerly Invitae), Labcorp
Classification: Uncertain significance for Hereditary nonpolyposis colorectal neoplasms. Last evaluated: 2025-10-19. Review status: criteria provided, single submitter. Criteria: Invitae Variant Classification Sherloc (09022015). Collection method: clinical testing. Allele origin: germline.
Comment: This sequence change replaces valine, which is neutral and non-polar, with phenylalanine, which is neutral and non-polar, at codon 302 of the PMS2 protein (p.Val302Phe). This variant is present in population databases (rs755960629, gnomAD 0.02%). This missense change has been observed in individual(s) with esophageal cancer, biliary tract cancer, and/or breast cancer (PMID: 30833958, 35449176, 36243179). ClinVar contains an entry for this variant (Variation ID: 411067). Invitae Evidence Modeling incorporating data from in vitro experimental studies (internal data) indicates that this missense variant is not expected to disrupt PMS2 function with a negative predictive value of 95%. In summary, the available evidence is currently insufficient to determine the role of this variant in disease. Therefore, it has been classified as a Variant of Uncertain Significance.

Ambry Genetics
Classification: Uncertain significance for Hereditary cancer-predisposing syndrome. Last evaluated: 2025-10-11. Review status: criteria provided, single submitter. Criteria: Ambry Variant Classification Scheme 2023. Collection method: clinical testing. Allele origin: germline.
Comment: The p.V302F variant (also known as c.904G>T) is located in coding exon 9 of the PMS2 gene. The valine at codon 302 is replaced by phenylalanine, an amino acid with highly similar properties. This change occurs in the first base pair of coding exon 9. RNA studies have demonstrated that this alteration does not result in abnormal splicing in the set of samples tested (Ambry internal data). This amino acid position is well conserved in available vertebrate species. In addition, this alteration is predicted to be deleterious by in silico analysis. Since supporting evidence is limited at this time, the clinical significance of this alteration remains unclear.

Fulgent Genetics
Classification: Uncertain significance for Lynch syndrome 4; Mismatch repair cancer syndrome 4. Last evaluated: 2022-05-18. Review status: criteria provided, single submitter. Criteria: ACMG Guidelines, 2015. Collection method: clinical testing. Allele origin: unknown.

CHEO Genetics Diagnostic Laboratory, Children's Hospital of Eastern Ontario
Classification: Uncertain significance for Breast and/or ovarian cancer. Last evaluated: 2020-11-04. Review status: criteria provided, single submitter. Criteria: ACMG Guidelines, 2015. Collection method: clinical testing. Allele origin: germline.

Color Diagnostics, LLC DBA Color Health
Classification: Uncertain significance for Hereditary cancer-predisposing syndrome. Last evaluated: 2019-04-09. Review status: criteria provided, single submitter. Criteria: ACMG Guidelines, 2015. Collection method: clinical testing. Allele origin: germline.

Literature cited by the submitters: PubMed 30833958 (cited by Labcorp Genetics (formerly Invitae), Labcorp and Ambry Genetics); PubMed 35449176 (cited by Labcorp Genetics (formerly Invitae), Labcorp); PubMed 36243179 (cited by Labcorp Genetics (formerly Invitae), Labcorp).

NM_000535.7(PMS2):c.904G>T (p.Val302Phe)

Gene: PMS2 (PMS1 homolog 2, mismatch repair system component; minus strand). Cytogenetic location: 7p22.1.
Variant type: single nucleotide variant.
Coding change: c.904G>T on transcript NM_000535.7 (MANE Select); coding-DNA position 904, G replaced by T.
Protein change: p.Val302Phe; replaces valine 302 with phenylalanine.
Molecular consequence: missense variant. On other transcripts: 5 prime UTR variant (2), non-coding transcript variant (1).
Genome position (GRCh38, 1-based): chr7:5,992,057, C>A on the plus strand (G>T on the coding strand, the complement: PMS2 is on the minus strand). VCF-style: chr7-5992057-C-A. GRCh37 (hg19) VCF-style: chr7-6031688-C-A.
Other names: c.499G>T, p.Val167Phe (NM_001322003.2, NM_001322004.2, NM_001322005.2 and 2 more transcripts); c.904G>T, p.Val302Phe (NM_001322006.2, NM_001322014.2); c.586G>T, p.Val196Phe (NM_001322007.2, NM_001322008.2); c.-30G>T (NM_001322011.2, NM_001322012.2); c.331G>T, p.Val111Phe (NM_001322013.2); c.595G>T, p.Val199Phe (NM_001322015.2); short protein forms V302F, V167F, V199F, V111F, V196F.
Identifiers: ClinVar variation 411067 (VCV000411067.27), dbSNP rs755960629, ClinGen allele CA052454.